The following is an entry in ClinVar:

NM_033159.4(HYAL1):c.1009A>G (p.Lys337Glu)

Gene: HYAL1 (hyaluronidase 1; minus strand). Cytogenetic location: 3p21.31.
Variant type: single nucleotide variant.
Coding change: c.1009A>G on transcript NM_033159.4 (MANE Select); coding-DNA position 1009, A replaced by G.
Protein change: p.Lys337Glu; replaces lysine 337 with glutamic acid.
Molecular consequence: missense variant. On other transcripts: non-coding transcript variant (1).
Genome position (GRCh38, 1-based): chr3:50,300,782, T>C on the plus strand (A>G on the coding strand, the complement: HYAL1 is on the minus strand). VCF-style: chr3-50300782-T-C. GRCh37 (hg19) VCF-style: chr3-50338213-T-C.
Other names: c.1009A>G, p.Lys337Glu (NM_153281.2); c.919A>G, p.Lys307Glu (NM_153282.3); c.463A>G, p.Lys155Glu (NM_153283.3); c.232A>G, p.Lys78Glu (NM_153285.3); short protein forms K78E, K307E, K337E, K155E.
Identifiers: ClinVar variation 3672531 (VCV003672531.2).

ClinVar aggregate classification (germline): Uncertain significance (1 of 4 stars; one submission).

Conditions:
Deficiency of hyaluronoglucosaminidase (MPS9). Also called: HYALURONIDASE DEFICIENCY; MPS IX; Mucopolysaccharidosis type 9. Identifiers: Orphanet 67041, MedGen C1291490, MONDO:0011093, OMIM 601492.

Submission:

Labcorp Genetics (formerly Invitae), Labcorp
Classification: Uncertain significance for Deficiency of hyaluronoglucosaminidase. Last evaluated: 2024-10-03. Review status: criteria provided, single submitter. Criteria: Invitae Variant Classification Sherloc (09022015). Collection method: clinical testing. Allele origin: germline.
Comment: This sequence change replaces lysine, which is basic and polar, with glutamic acid, which is acidic and polar, at codon 337 of the HYAL1 protein (p.Lys337Glu). This variant is not present in population databases (gnomAD no frequency). This variant has not been reported in the literature in individuals affected with HYAL1-related conditions. An algorithm developed to predict the effect of missense changes on protein structure and function (PolyPhen-2) suggests that this variant is likely to be disruptive. In summary, the available evidence is currently insufficient to determine the role of this variant in disease. Therefore, it has been classified as a Variant of Uncertain Significance.